The following is an entry in ClinVar:

ClinVar aggregate classification (germline): Uncertain significance (1 of 4 stars; one submission).

Conditions:
Neuropathy, hereditary sensory and autonomic, type 2A (HSAN2A). Also called: ACROOSTEOLYSIS, GIACCAI TYPE; ACROOSTEOLYSIS, NEUROGENIC; WNK1-Related HSAN2 (HSAN2A); NEUROPATHY, HEREDITARY SENSORY RADICULAR, AUTOSOMAL RECESSIVE; MORVAN DISEASE; NEUROPATHY, CONGENITAL SENSORY. Identifiers: Orphanet 970, MedGen C2752089, MONDO:0024309, OMIM 201300.
Generalized epilepsy with febrile seizures plus, type 7 (GEFSP7). Also called: GEFS+, TYPE 7. Identifiers: Orphanet 36387, MedGen C2751778, MONDO:0013470, OMIM 613863.

gnomAD v4.1: 1 of 1,609,374 alleles (0.000062%); highest among the groups gnomAD compares: Non-Finnish European, 0.000085%; no homozygotes.

Submission:

Labcorp Genetics (formerly Invitae), Labcorp
Classification: Uncertain significance for Neuropathy, hereditary sensory and autonomic, type 2A; Generalized epilepsy with febrile seizures plus, type 7. Last evaluated: 2025-10-21. Review status: criteria provided, single submitter. Criteria: Invitae Variant Classification Sherloc (09022015). Collection method: clinical testing. Allele origin: germline.
Comment: This sequence change replaces glycine, which is neutral and non-polar, with arginine, which is basic and polar, at codon 1478 of the SCN9A protein (p.Gly1478Arg). This variant is not present in population databases (gnomAD no frequency). This variant has not been reported in the literature in individuals affected with SCN9A-related conditions. Invitae Evidence Modeling of protein sequence and biophysical properties (such as structural, functional, and spatial information, amino acid conservation, physicochemical variation, residue mobility, and thermodynamic stability) indicates that this missense variant is not expected to disrupt SCN9A protein function with a negative predictive value of 95%. In summary, the available evidence is currently insufficient to determine the role of this variant in disease. Therefore, it has been classified as a Variant of Uncertain Significance.

NM_001365536.1(SCN9A):c.4465G>A (p.Gly1489Arg)

Genes: SCN9A (sodium voltage-gated channel alpha subunit 9; minus strand), SCN1A-AS1 (SCN1A and SCN9A antisense RNA 1; plus strand). Cytogenetic location: 2q24.3.
Variant type: single nucleotide variant.
Coding change: c.4465G>A on transcript NM_001365536.1 (MANE Select); coding-DNA position 4465, G replaced by A.
Protein change: p.Gly1489Arg; replaces glycine 1489 with arginine.
Molecular consequence: missense variant.
Genome position (GRCh38, 1-based): chr2:166,204,398, C>T on the plus strand (G>A on the coding strand, the complement: SCN9A is on the minus strand). VCF-style: chr2-166204398-C-T. GRCh37 (hg19) VCF-style: chr2-167060908-C-T.
Other names: c.4432G>A, p.Gly1478Arg (NM_002977.4); short protein forms G1489R, G1478R.
Identifiers: ClinVar variation 4783382 (VCV004783382.1).